The following is an entry in ClinVar:

ClinVar aggregate classification (germline): Uncertain significance (1 of 4 stars; one submission).

Conditions:
Hereditary cancer-predisposing syndrome. Also called: Neoplastic Syndromes, Hereditary; Tumor predisposition; Hereditary neoplastic syndrome; Hereditary Cancer Syndrome. Identifiers: Orphanet 140162, MedGen C0027672, MeSH D009386, MONDO:0015356.
Cardiovascular phenotype. Identifiers: MedGen CN230736.

Submission:

Ambry Genetics
Classification: Uncertain significance for Cardiovascular phenotype; Hereditary cancer-predisposing syndrome. Last evaluated: 2023-09-10. Review status: criteria provided, single submitter. Criteria: Ambry Variant Classification Scheme 2023. Collection method: clinical testing. Allele origin: germline.
Comment: The p.H1558D variant (also known as c.4672C>G), located in coding exon 35 of the NF1 gene, results from a C to G substitution at nucleotide position 4672. The histidine at codon 1558 is replaced by aspartic acid, an amino acid with similar properties. This amino acid position is conserved. In addition, the in silico prediction for this alteration is inconclusive. Since supporting evidence is limited at this time, the clinical significance of this alteration remains unclear.

NM_001042492.3(NF1):c.4735C>G (p.His1579Asp)

Gene: NF1 (neurofibromin 1; plus strand). Cytogenetic location: 17q11.2.
Variant type: single nucleotide variant.
Coding change: c.4735C>G on transcript NM_001042492.3 (MANE Select); coding-DNA position 4735, C replaced by G.
Protein change: p.His1579Asp; replaces histidine 1579 with aspartic acid.
Molecular consequence: missense variant.
Genome position (GRCh38, 1-based): chr17:31,265,239, C>G. VCF-style: chr17-31265239-C-G. GRCh37 (hg19) VCF-style: chr17-29592257-C-G.
Other names: c.4672C>G, p.His1558Asp (NM_000267.4); short protein forms H1558D, H1579D.
Identifiers: ClinVar variation 3237796 (VCV003237796.1), dbSNP rs2151470019.